The following is an entry in ClinVar:

NM_016203.4(PRKAG2):c.946+13G>C

Gene: PRKAG2 (protein kinase AMP-activated non-catalytic subunit gamma 2; minus strand). Cytogenetic location: 7q36.1.
Variant type: single nucleotide variant.
Coding change: c.946+13G>C on transcript NM_016203.4 (MANE Select); 13 bases into the intron after coding-DNA position 946, G replaced by C.
Molecular consequence: intron variant.
Genome position (GRCh38, 1-based): chr7:151,576,358, C>G on the plus strand (G>C on the coding strand, the complement: PRKAG2 is on the minus strand). VCF-style: chr7-151576358-C-G. GRCh37 (hg19) VCF-style: chr7-151273444-C-G.
Other names: c.814+13G>C (NM_001040633.2); c.571+13G>C (NM_001304527.2); c.574+13G>C (NM_001363698.2); c.223+13G>C (NM_001304531.2, NM_024429.2).
Identifiers: ClinVar variation 179694 (VCV000179694.5), dbSNP rs727505059, ClinGen allele CA014662.

ClinVar aggregate classification (germline): Likely benign (1 of 4 stars; one submission).

Submission:

Laboratory for Molecular Medicine, Mass General Brigham Personalized Medicine
Classification: Likely benign. Last evaluated: 2014-04-15. Review status: criteria provided, single submitter. Criteria: LMM Criteria. Collection method: clinical testing. Allele origin: germline. Observed: 1 variant allele.
Comment: 946+13G>C in intron 7 of PRKAG2: This variant is not expected to have clinical s ignificance because it is not located within the splice consensus sequence.